The following is an entry in ClinVar:

ClinVar aggregate classification (germline): Likely pathogenic (1 of 4 stars; one submission).

Conditions:
Neutral 1 amino acid transport defect (HND). Also called: HARTNUP DISORDER; Hartnup disease. Identifiers: Orphanet 2116, MedGen C0018609, MONDO:0009324, OMIM 234500.

gnomAD v4.1: 9 of 1,613,424 alleles (0.00056%); highest among the groups gnomAD compares: South Asian, 0.0099%; no homozygotes.

Submission:

First Genomix Gene Laboratory, Genetic Diagnostics Department
Classification: Likely pathogenic for Neutral 1 amino acid transport defect. Last evaluated: 2025-03-18. Review status: criteria provided, single submitter. Criteria: ACMG Guidelines, 2015. Collection method: clinical testing. Allele origin: germline. Inheritance: Autosomal recessive inheritance. Affected: no. Observed: 1 variant allele.

NM_001003841.3(SLC6A19):c.1141C>T (p.Gln381Ter)

Gene: SLC6A19 (solute carrier family 6 member 19; plus strand). Cytogenetic location: 5p15.33.
Variant type: single nucleotide variant.
Coding change: c.1141C>T on transcript NM_001003841.3 (MANE Select); coding-DNA position 1141, C replaced by T.
Protein change: p.Gln381Ter; replaces glutamine 381 with a stop codon.
Molecular consequence: nonsense.
Genome position (GRCh38, 1-based): chr5:1,216,913, C>T. VCF-style: chr5-1216913-C-T. GRCh37 (hg19) VCF-style: chr5-1217028-C-T.
Other names: short protein forms Q381*.
Identifiers: ClinVar variation 4845789 (VCV004845789.1).
Genomic context (GRCh38, chr5:1,216,913, plus strand): 5'-GTGGACATGCAGCAGCGGTGCAACGCCTCCGACCCCGCGGCCTACGCGCAGCTGGTGTTC[C>T]AGACCTGCGACATCAACGCCTTCCTCTCAGAGGTAGGTCCATTCCGGAGCTCGAGGCAGG-3'